The following is an entry in ClinVar:

NM_001374353.1(GLI2):c.1350G>T (p.Lys450Asn)

Gene: GLI2 (GLI family zinc finger 2; plus strand). Cytogenetic location: 2q14.2.
Variant type: single nucleotide variant.
Coding change: c.1350G>T on transcript NM_001374353.1 (MANE Select); coding-DNA position 1350, G replaced by T.
Protein change: p.Lys450Asn; replaces lysine 450 with asparagine.
Molecular consequence: missense variant.
Genome position (GRCh38, 1-based): chr2:120,978,466, G>T. VCF-style: chr2-120978466-G-T. GRCh37 (hg19) VCF-style: chr2-121736042-G-T.
Other names: c.1401G>T, p.Lys467Asn (NM_001371271.1, NM_005270.5); c.975G>T, p.Lys325Asn (NM_001374354.1); short protein forms K325N, K450N, K467N.
Identifiers: ClinVar variation 3361232 (VCV003361232.1).

ClinVar aggregate classification (germline): Uncertain significance (1 of 4 stars; one submission).

Submission:

GeneDx
Classification: Uncertain significance. Last evaluated: 2023-07-18. Review status: criteria provided, single submitter. Criteria: GeneDx Variant Classification Process June 2021. Collection method: clinical testing. Allele origin: germline. Affected: yes.
Comment: Not observed at significant frequency in large population cohorts (gnomAD); In silico analysis supports that this missense variant has a deleterious effect on protein structure/function; Has not been previously published as pathogenic or benign to our knowledge